The following is an entry in ClinVar:

ClinVar aggregate classification (germline): Likely pathogenic. Review status: criteria provided, multiple submitters, no conflicts (2 of 4 stars). 2 submissions from 2 submitters: Likely pathogenic (2). Last evaluated 2023-09-29.

Conditions:
SKIN/HAIR/EYE PIGMENTATION 3, LIGHT/DARK SKIN (SHEP3). Also called: SKIN/HAIR/EYE PIGMENTATION, VARIATION IN, 3; EYE COLOR 1; EYE COLOR, GREEN/BLUE; SKIN/HAIR/EYE PIGMENTATION 3, BLUE/GREEN EYE COLOR; SKIN/HAIR/EYE PIGMENTATION 3, FRECKLING. Identifiers: MedGen C2677190, OMIM 601800.

Submissions (2):

Baylor Genetics
Classification: Likely pathogenic for SKIN/HAIR/EYE PIGMENTATION 3, LIGHT/DARK SKIN. Last evaluated: 2023-09-29. Review status: criteria provided, single submitter. Criteria: ACMG Guidelines, 2015. Collection method: clinical testing. Allele origin: unknown.

Labcorp Genetics (formerly Invitae), Labcorp
Classification: Likely pathogenic. Last evaluated: 2022-02-25. Review status: criteria provided, single submitter. Criteria: Invitae Variant Classification Sherloc (09022015). Collection method: clinical testing. Allele origin: germline.
Comment: In summary, the currently available evidence indicates that the variant is pathogenic, but additional data are needed to prove that conclusively. Therefore, this variant has been classified as Likely Pathogenic. This variant has not been reported in the literature in individuals affected with TYR-related conditions. This variant is not present in population databases (gnomAD no frequency). This variant results in the deletion of part of exon 1 (c.818_819+1delinsTTT) of the TYR gene. It is expected to disrupt RNA splicing. Variants that disrupt the donor or acceptor splice site typically lead to a loss of protein function (PMID: 16199547), and loss-of-function variants in TYR are known to be pathogenic (PMID: 23504663).

Literature cited by the submitters: PubMed 16199547 (cited by Labcorp Genetics (formerly Invitae), Labcorp); PubMed 23504663 (cited by Labcorp Genetics (formerly Invitae), Labcorp).

NM_000372.5(TYR):c.818_819+1delinsTTT

Gene: TYR (tyrosinase; plus strand). Cytogenetic location: 11q14.3.
Variant type: Indel.
Coding change: c.818_819+1delinsTTT on transcript NM_000372.5 (MANE Select); coding-DNA position 818 through the canonical splice donor site of the intron after coding-DNA position 819, AGG replaced by TTT.
Molecular consequence: splice donor variant.
Genome position (GRCh38, 1-based): chr11:89,178,771-89,178,773, AGG replaced by TTT. VCF-style: chr11-89178771-AGG-TTT. GRCh37 (hg19) VCF-style: chr11-88911939-AGG-TTT.
Identifiers: ClinVar variation 2103421 (VCV002103421.5), dbSNP rs2496530929, ClinGen allele CA2580085021.
Genomic context (GRCh38, chr11:89,178,771, plus strand): 5'-GAGGTCAGCACCCCACAAATCCTAACTTACTCAGCCCAGCATCATTCTTCTCCTCTTGGC[AGG>TTT]TAAGATATGCTAGATATACGATGTCAGAGTAGGGAGGAACCTTAACAATCACTTCTTCAG-3'